The following is an entry in ClinVar:

NM_033118.4(MYLK2):c.1748AGA[1] (p.Lys584del)

Gene: MYLK2 (myosin light chain kinase 2; plus strand). Cytogenetic location: 20q11.21.
Variant type: Microsatellite.
Coding change: c.1748AGA[1] on transcript NM_033118.4 (MANE Select); one copy of the 3-base unit AGA starting at c.1748; the reference has two copies in a row; one copy, 3 bases deleted.
Protein change: p.Lys584del; deletes lysine 584.
Molecular consequence: inframe deletion.
Genome position (GRCh38, 1-based): chr20:31,833,757-31,833,759, AGA deleted; deleting any 3 consecutive bases within chr20:31,833,753-31,833,759 gives the same sequence; the position shown is the placement nearest the transcript's 3' end. VCF-style (leftmost placement, unchanged base first): chr20-31833752-CAAG-C. GRCh37 (hg19) VCF-style: chr20-30421555-CAAG-C.
Other names: c.1751_1753delAGA (NM_033118.3); short protein forms K584del.
Identifiers: ClinVar variation 855524 (VCV000855524.12), dbSNP rs774851606, ClinGen allele CA9803328.

ClinVar aggregate classification (germline): Uncertain significance. Review status: criteria provided, multiple submitters, no conflicts (2 of 4 stars). 3 submissions from 3 submitters: Uncertain significance (2). 1 of the submissions does not count toward it. Last evaluated 2024-10-17.

Conditions:
MYLK2-related disorder. Also called: MYLK2-related condition.
Hypertrophic cardiomyopathy 1 (CMH1). Also called: Familial hypertrophic cardiomyopathy 1; MYH7-Related Familial Hypertrophic Cardiomyopathy. Identifiers: MedGen C3495498, MONDO:0008647, OMIM 192600.

Submissions (3):

Labcorp Genetics (formerly Invitae), Labcorp
Classification: Uncertain significance for Hypertrophic cardiomyopathy 1. Last evaluated: 2024-10-17. Review status: criteria provided, single submitter. Criteria: Invitae Variant Classification Sherloc (09022015). Collection method: clinical testing. Allele origin: germline.
Comment: This variant, c.1751_1753del, results in the deletion of 1 amino acid(s) of the MYLK2 protein (p.Lys584del), but otherwise preserves the integrity of the reading frame. This variant is present in population databases (rs774851606, gnomAD 0.04%). This variant has not been reported in the literature in individuals affected with MYLK2-related conditions. ClinVar contains an entry for this variant (Variation ID: 855524). Experimental studies and prediction algorithms are not available or were not evaluated, and the functional significance of this variant is currently unknown. In summary, the available evidence is currently insufficient to determine the role of this variant in disease. Therefore, it has been classified as a Variant of Uncertain Significance.

GeneDx
Classification: Uncertain significance. Last evaluated: 2024-03-15. Review status: criteria provided, single submitter. Criteria: GeneDx Variant Classification Process June 2021. Collection method: clinical testing. Allele origin: germline. Affected: yes.
Comment: Has not been previously published as pathogenic or benign to our knowledge; In silico analysis supports a deleterious effect on protein structure/function

PreventionGenetics, part of Exact Sciences
Classification: Uncertain significance for MYLK2-related condition. Last evaluated: 2024-06-26. Review status: no assertion criteria provided. Collection method: clinical testing. Allele origin: germline. Not counted in ClinVar's aggregate classification.
Comment: The MYLK2 c.1751_1753delAGA variant is predicted to result in an in-frame deletion (p.Lys584del). To our knowledge, this variant has not been reported in the literature. This variant is reported in 0.032% of alleles in individuals of African descent in gnomAD. At this time, the clinical significance of this variant is uncertain due to the absence of conclusive functional and genetic evidence.